The following is an entry in ClinVar:

ClinVar aggregate classification (germline): Uncertain significance. Review status: criteria provided, multiple submitters, no conflicts (2 of 4 stars). 2 submissions from 2 submitters: Uncertain significance (2). Last evaluated 2025-04-10.

Conditions:
Inborn genetic diseases. Identifiers: MedGen C0950123, MeSH D030342.

Allele frequency attached by ClinVar (database versions not stated): TOPMed 0.00004; 1000 Genomes Project 30x 0.00016; gnomAD 0.00005; 1000 Genomes Project 0.00020; ExAC 0.00002; gnomAD exomes 0.00004.
gnomAD v4.1: 70 of 1,614,110 alleles (0.0043%); highest among the groups gnomAD compares: South Asian, 0.0055%; no homozygotes.

Submissions (2):

Labcorp Genetics (formerly Invitae), Labcorp
Classification: Uncertain significance. Last evaluated: 2025-04-10. Review status: criteria provided, single submitter. Criteria: Invitae Variant Classification Sherloc (09022015). Collection method: clinical testing. Allele origin: germline.
Comment: This sequence change replaces arginine, which is basic and polar, with glutamine, which is neutral and polar, at codon 16 of the CASQ1 protein (p.Arg16Gln). This variant is present in population databases (rs557844880, gnomAD 0.007%). This variant has not been reported in the literature in individuals affected with CASQ1-related conditions. ClinVar contains an entry for this variant (Variation ID: 2892314). An algorithm developed to predict the effect of missense changes on protein structure and function outputs the following: PolyPhen-2: "Benign". The glutamine amino acid residue is found in multiple mammalian species, which suggests that this missense change does not adversely affect protein function. In summary, the available evidence is currently insufficient to determine the role of this variant in disease. Therefore, it has been classified as a Variant of Uncertain Significance.

Ambry Genetics
Classification: Uncertain significance for Inborn genetic diseases. Last evaluated: 2024-12-20. Review status: criteria provided, single submitter. Criteria: Ambry Variant Classification Scheme 2023. Collection method: clinical testing. Allele origin: germline.
Comment: The p.R16Q variant (also known as c.47G>A), located in coding exon 1 of the CASQ1 gene, results from a G to A substitution at nucleotide position 47. The arginine at codon 16 is replaced by glutamine, an amino acid with highly similar properties. This amino acid position is conserved. In addition, this alteration is predicted to be tolerated by in silico analysis. Based on the available evidence, the clinical significance of this variant remains unclear.

NM_001231.5(CASQ1):c.47G>A (p.Arg16Gln)

Gene: CASQ1 (calsequestrin 1; plus strand). Cytogenetic location: 1q23.2.
Variant type: single nucleotide variant.
Coding change: c.47G>A on transcript NM_001231.5 (MANE Select); coding-DNA position 47, G replaced by A.
Protein change: p.Arg16Gln; replaces arginine 16 with glutamine.
Molecular consequence: missense variant.
Genome position (GRCh38, 1-based): chr1:160,190,798, G>A. VCF-style: chr1-160190798-G-A. GRCh37 (hg19) VCF-style: chr1-160160588-G-A.
Other names: c.47G>A (NM_001231.4); short protein forms R16Q.
Identifiers: ClinVar variation 2892314 (VCV002892314.4), dbSNP rs557844880, ClinGen allele CA1196061.